The following is an entry in ClinVar:

ClinVar aggregate classification (germline): Likely benign (1 of 4 stars; one submission).

Conditions:
NCOA1-related disorder. Also called: NCOA1-related condition.

Submission:

PreventionGenetics, part of Exact Sciences
Classification: Likely benign for NCOA1-related condition. Last evaluated: 2024-11-27. Review status: criteria provided, single submitter. Criteria: ACMG Guidelines, 2015. Collection method: clinical testing. Allele origin: germline.
Comment: This variant is classified as likely benign based on ACMG/AMP sequence variant interpretation guidelines (Richards et al. 2015 PMID: 25741868, with internal and published modifications).

NM_003743.5(NCOA1):c.4066-6T>G

Gene: NCOA1 (nuclear receptor coactivator 1; plus strand). Cytogenetic location: 2p23.3.
Variant type: single nucleotide variant.
Coding change: c.4066-6T>G on transcript NM_003743.5 (MANE Select); 6 bases into the intron before coding-DNA position 4066, T replaced by G.
Molecular consequence: intron variant.
Genome position (GRCh38, 1-based): chr2:24,762,681, T>G. VCF-style: chr2-24762681-T-G. GRCh37 (hg19) VCF-style: chr2-24985550-T-G.
Other names: c.4066-6T>G (NM_001362950.1, NM_147223.3, NM_001362955.1 and 3 more transcripts).
Identifiers: ClinVar variation 4997460 (VCV004997460.1).